The following is an entry in ClinVar:

ClinVar aggregate classification (germline): Uncertain significance (1 of 4 stars; one submission).

Submission:

GeneDx
Classification: Uncertain significance. Last evaluated: 2024-09-06. Review status: criteria provided, single submitter. Criteria: GeneDx Variant Classification Process June 2021. Collection method: clinical testing. Allele origin: germline. Affected: yes.
Comment: Not observed at significant frequency in large population cohorts (gnomAD); In silico analysis indicates that this missense variant does not alter protein structure/function; Has not been previously published as pathogenic or benign to our knowledge

NM_005862.3(STAG1):c.2584T>A (p.Leu862Ile)

Gene: STAG1 (STAG1 cohesin complex component; minus strand). Cytogenetic location: 3q22.3.
Variant type: single nucleotide variant.
Coding change: c.2584T>A on transcript NM_005862.3 (MANE Select); coding-DNA position 2584, T replaced by A.
Protein change: p.Leu862Ile; replaces leucine 862 with isoleucine.
Molecular consequence: missense variant.
Genome position (GRCh38, 1-based): chr3:136,367,044, A>T on the plus strand (T>A on the coding strand, the complement: STAG1 is on the minus strand). VCF-style: chr3-136367044-A-T. GRCh37 (hg19) VCF-style: chr3-136085886-A-T.
Other names: short protein forms L862I.
Identifiers: ClinVar variation 3767506 (VCV003767506.1).
Genomic context (GRCh38, chr3:136,367,044, plus strand): 5'-CAACAATGTCATAAATGATAAGTTTGCTGAAAGCAGCAAGTAGATTCCTTCTTTTATGTA[A>T]GGCCTCAATTTTATTAGCTTCATCTTCTTCATCACCCTCTAAACACAGATTACAAATTGG-3'
Protein context (NP_005853.2, residues 852-872): EEDEANKIEA[Leu862Ile]HKRRNLLAAF